The following is an entry in ClinVar:

NM_003000.3(SDHB):c.436T>G (p.Phe146Val)

Gene: SDHB (succinate dehydrogenase complex iron sulfur subunit B; minus strand). Cytogenetic location: 1p36.13.
Variant type: single nucleotide variant.
Coding change: c.436T>G on transcript NM_003000.3 (MANE Select); coding-DNA position 436, T replaced by G.
Protein change: p.Phe146Val; replaces phenylalanine 146 with valine.
Molecular consequence: missense variant.
Genome position (GRCh38, 1-based): chr1:17,027,853, A>C on the plus strand (T>G on the coding strand, the complement: SDHB is on the minus strand). VCF-style: chr1-17027853-A-C. GRCh37 (hg19) VCF-style: chr1-17354348-A-C.
Other names: short protein forms F146V.
Identifiers: ClinVar variation 459147 (VCV000459147.13), dbSNP rs1553177689, ClinGen allele CA338273404.
Genomic context (GRCh38, chr1:17,027,853, plus strand): 5'-CTTCCTGAGATTCATCCTTCTTCTTCAAATAAGGCTCAATGGATTTGTACTGTGCATAGA[A>C]GTTGCTCAAATCCTGTGGTTAAGAGGAAGAAGAAGAAGAAGAAGAAGAAAAGGATCAGAT-3'
Protein context (NP_002991.2, residues 136-156): IKDLVPDLSN[Phe146Val]YAQYKSIEPY

ClinVar aggregate classification (germline): Uncertain significance. Review status: criteria provided, multiple submitters, no conflicts (2 of 4 stars). 4 submissions from 4 submitters: Uncertain significance (4). Last evaluated 2026-01-21.

Conditions:
Hereditary pheochromocytoma and paraganglioma. Also called: Hereditary Paraganglioma-Pheochromocytoma Syndromes; Hereditary paragangliomas and pheochromocytomas; Hereditary pheochromocytoma-paraganglioma. Identifiers: Orphanet 29072, MedGen C4274332, MONDO:0017366.
Pheochromocytoma. Also called: MAX-Related Hereditary Paraganglioma-Pheochromocytoma Syndrome. Identifiers: Orphanet 29072, MedGen C0031511, MONDO:0008233, OMIM 171300, HP:0002666.
Pheochromocytoma/paraganglioma syndrome 4. Also called: SDHB-Related Hereditary Paraganglioma-Pheochromocytoma Syndrome (Paragangliomas 4); CAROTID BODY TUMORS AND MULTIPLE EXTRAADRENAL PHEOCHROMOCYTOMAS; PARAGANGLIOMA, FAMILIAL MALIGNANT; PARAGANGLIOMAS, HEREDITARY EXTRAADRENAL; SDHB-Related Hereditary Paraganglioma-Pheochromocytoma Syndrome; PHEOCHROMOCYTOMA, FAMILIAL EXTRAADRENAL. Identifiers: Orphanet 29072, MedGen C1861848, MONDO:0007273, OMIM 115310.
Gastrointestinal stromal tumor. Also called: Gastrointestinal stroma tumor; Gastrointestinal stromal tumor, somatic. Identifiers: Orphanet 44890, MedGen C0238198, MeSH D046152, MONDO:0011719, OMIM 606764, HP:0100723.
Hereditary cancer-predisposing syndrome. Also called: Tumor predisposition; Hereditary neoplastic syndrome; Neoplastic Syndromes, Hereditary; Hereditary Cancer Syndrome. Identifiers: Orphanet 140162, MedGen C0027672, MeSH D009386, MONDO:0015356.

gnomAD v4.1: 2 of 1,602,768 alleles (0.00012%); no homozygotes.

Submissions (4):

Labcorp Genetics (formerly Invitae), Labcorp
Classification: Uncertain significance for Gastrointestinal stromal tumor; Pheochromocytoma/paraganglioma syndrome 4; Pheochromocytoma. Last evaluated: 2026-01-21. Review status: criteria provided, single submitter. Criteria: Invitae Variant Classification Sherloc (09022015). Collection method: clinical testing. Allele origin: germline.
Comment: This sequence change replaces phenylalanine, which is neutral and non-polar, with valine, which is neutral and non-polar, at codon 146 of the SDHB protein (p.Phe146Val). This variant is not present in population databases (gnomAD no frequency). This missense change has been observed in individual(s) with pheochromocytoma (PMID: 30877234). ClinVar contains an entry for this variant (Variation ID: 459147). Invitae Evidence Modeling of protein sequence and biophysical properties (such as structural, functional, and spatial information, amino acid conservation, physicochemical variation, residue mobility, and thermodynamic stability) indicates that this missense variant is expected to disrupt SDHB protein function with a positive predictive value of 80%. In summary, the available evidence is currently insufficient to determine the role of this variant in disease. Therefore, it has been classified as a Variant of Uncertain Significance.

Color Diagnostics, LLC DBA Color Health
Classification: Uncertain significance for Hereditary pheochromocytoma and paraganglioma. Last evaluated: 2025-06-12. Review status: criteria provided, single submitter. Criteria: ACMG Guidelines, 2015. Collection method: clinical testing. Allele origin: germline.
Comment: This missense variant replaces phenylalanine with valine at codon 146 of the SDHB protein. Computational prediction suggests that this variant may have deleterious impact on protein structure and function. To our knowledge, functional studies have not been reported for this variant. This variant has been reported in an individual affected with pheochromocytoma in the literature (PMID: 30877234, 34452955). This variant has not been identified in the general population by the Genome Aggregation Database (gnomAD). The available evidence is insufficient to determine the role of this variant in disease conclusively. Therefore, this variant is classified as a Variant of Uncertain Significance.

GeneDx
Classification: Uncertain significance. Last evaluated: 2024-03-18. Review status: criteria provided, single submitter. Criteria: GeneDx Variant Classification Process June 2021. Collection method: clinical testing. Allele origin: germline. Affected: yes.
Comment: Identified in a patient with a single pheochromocytoma (PCC) in published literature (PMID: 30877234); Not observed at significant frequency in large population cohorts (gnomAD); In silico analysis supports that this missense variant has a deleterious effect on protein structure/function; This variant is associated with the following publications: (PMID: 30877234)

Ambry Genetics
Classification: Uncertain significance for Hereditary cancer-predisposing syndrome. Last evaluated: 2023-12-07. Review status: criteria provided, single submitter. Criteria: Ambry Variant Classification Scheme 2023. Collection method: clinical testing. Allele origin: germline.
Comment: The p.F146V variant (also known as c.436T>G), located in coding exon 5 of the SDHB gene, results from a T to G substitution at nucleotide position 436. The phenylalanine at codon 146 is replaced by valine, an amino acid with highly similar properties. This amino acid position is highly conserved in available vertebrate species. In addition, this alteration is predicted to be deleterious by in silico analysis. Since supporting evidence is limited at this time, the clinical significance of this alteration remains unclear.

Literature cited by the submitters: PubMed 30877234 (cited by Labcorp Genetics (formerly Invitae), Labcorp and Color Diagnostics, LLC DBA Color Health); PubMed 34452955 (cited by Color Diagnostics, LLC DBA Color Health).